The following is an entry in ClinVar:

NM_001206998.2(ZNRF3):c.1000C>T (p.Arg334Trp)

Gene: ZNRF3 (zinc and ring finger 3; plus strand). Cytogenetic location: 22q12.1.
Variant type: single nucleotide variant.
Coding change: c.1000C>T on transcript NM_001206998.2 (MANE Select); coding-DNA position 1000, C replaced by T.
Protein change: p.Arg334Trp; replaces arginine 334 with tryptophan.
Molecular consequence: missense variant.
Genome position (GRCh38, 1-based): chr22:29,048,476, C>T. VCF-style: chr22-29048476-C-T. GRCh37 (hg19) VCF-style: chr22-29444464-C-T.
Other names: c.700C>T, p.Arg234Trp (NM_032173.4); short protein forms R234W, R334W.
Identifiers: ClinVar variation 3238966 (VCV003238966.1), dbSNP rs2517591567.

ClinVar aggregate classification (germline): Pathogenic (1 of 4 stars; one submission).

Conditions:
ZNRF3-related disorder.

Submission:

Institute of Medical Genetics, University of Zurich
Classification: Pathogenic for ZNRF3-related disorder. Last evaluated: 2024-05-29. Review status: criteria provided, single submitter. Criteria: ACMG Guidelines, 2015. Collection method: research. Allele origin: germline. Affected: yes.
Comment: ACMG criteria applied: PS3 (Well-established in vitro or in vivo functional studies supportive of a damaging effect on the gene or gene product), PM1 (Located in a mutational hot spot and/or critical and well-established functional domain), PM6 (assumed de novo), PM2 (absent from controls), PP3 (in silico programs predict a deleterious effect)